The following is an entry in ClinVar:

ClinVar aggregate classification (germline): Uncertain significance (1 of 4 stars; one submission).

Conditions:
Dilated cardiomyopathy 1DD (CMD1DD). Identifiers: Orphanet 154, MedGen C2750995, MONDO:0013168, OMIM 613172.

Submission:

Labcorp Genetics (formerly Invitae), Labcorp
Classification: Uncertain significance for Dilated cardiomyopathy 1DD. Last evaluated: 2022-11-08. Review status: criteria provided, single submitter. Criteria: Invitae Variant Classification Sherloc (09022015). Collection method: clinical testing. Allele origin: germline.
Comment: In summary, the available evidence is currently insufficient to determine the role of this variant in disease. Therefore, it has been classified as a Variant of Uncertain Significance. Advanced modeling of protein sequence and biophysical properties (such as structural, functional, and spatial information, amino acid conservation, physicochemical variation, residue mobility, and thermodynamic stability) performed at Invitae indicates that this missense variant is not expected to disrupt RBM20 protein function. ClinVar contains an entry for this variant (Variation ID: 1525734). This variant has not been reported in the literature in individuals affected with RBM20-related conditions. This variant is not present in population databases (gnomAD no frequency). This sequence change replaces serine, which is neutral and polar, with phenylalanine, which is neutral and non-polar, at codon 1018 of the RBM20 protein (p.Ser1018Phe).

NM_001134363.3(RBM20):c.3053C>T (p.Ser1018Phe)

Gene: RBM20 (RNA binding motif protein 20; plus strand). Cytogenetic location: 10q25.2.
Variant type: single nucleotide variant.
Coding change: c.3053C>T on transcript NM_001134363.3 (MANE Select); coding-DNA position 3053, C replaced by T.
Protein change: p.Ser1018Phe; replaces serine 1018 with phenylalanine.
Molecular consequence: missense variant.
Genome position (GRCh38, 1-based): chr10:110,821,672, C>T. VCF-style: chr10-110821672-C-T. GRCh37 (hg19) VCF-style: chr10-112581430-C-T.
Other names: short protein forms S1018F.
Identifiers: ClinVar variation 1525734 (VCV001525734.8), dbSNP rs2135121918, ClinGen allele CA378380373.